The following is an entry in ClinVar:

ClinVar aggregate classification (germline): Uncertain significance (1 of 4 stars; one submission).

Conditions:
Hereditary spastic paraplegia 11. Also called: Spastic Paraplegia 11; Spastic paraplegia, mental retardation and thin corpus callosum; Nakamura Osame syndrome; Autosomal recessive hereditary spastic paraplegia, mental impairment, and thin corpus callosum; SPASTIC PARAPLEGIA, AUTOSOMAL RECESSIVE, COMPLICATED, WITH THIN CORPUS CALLOSUM; SPASTIC PARAPLEGIA, AUTOSOMAL RECESSIVE, WITH MENTAL IMPAIRMENT AND THIN CORPUS CALLOSUM. Identifiers: Orphanet 2822, MedGen C1858479, MONDO:0011445, OMIM 604360.

Submission:

Labcorp Genetics (formerly Invitae), Labcorp
Classification: Uncertain significance for Hereditary spastic paraplegia 11. Last evaluated: 2022-07-11. Review status: criteria provided, single submitter. Criteria: Invitae Variant Classification Sherloc (09022015). Collection method: clinical testing. Allele origin: germline.
Comment: In summary, the available evidence is currently insufficient to determine the role of this variant in disease. Therefore, it has been classified as a Variant of Uncertain Significance. Algorithms developed to predict the effect of missense changes on protein structure and function output the following: SIFT: "Deleterious"; PolyPhen-2: "Possibly Damaging"; Align-GVGD: "Class C0". The serine amino acid residue is found in multiple mammalian species, which suggests that this missense change does not adversely affect protein function. ClinVar contains an entry for this variant (Variation ID: 406514). This variant has not been reported in the literature in individuals affected with SPG11-related conditions. This variant is not present in population databases (gnomAD no frequency). This sequence change replaces proline, which is neutral and non-polar, with serine, which is neutral and polar, at codon 34 of the SPG11 protein (p.Pro34Ser).

NM_025137.4(SPG11):c.100C>T (p.Pro34Ser)

Gene: SPG11 (SPG11 vesicle trafficking associated, spatacsin; minus strand). Cytogenetic location: 15q21.1.
Variant type: single nucleotide variant.
Coding change: c.100C>T on transcript NM_025137.4 (MANE Select); coding-DNA position 100, C replaced by T.
Protein change: p.Pro34Ser; replaces proline 34 with serine.
Molecular consequence: missense variant.
Genome position (GRCh38, 1-based): chr15:44,663,548, G>A on the plus strand (C>T on the coding strand, the complement: SPG11 is on the minus strand). VCF-style: chr15-44663548-G-A. GRCh37 (hg19) VCF-style: chr15-44955746-G-A.
Other names: c.100C>T, p.Pro34Ser (NM_001160227.2); short protein forms P34S.
Identifiers: ClinVar variation 406514 (VCV000406514.10), dbSNP rs1060501172, ClinGen allele CA16614617.